The following is an entry in ClinVar:

NM_006397.3(RNASEH2A):c.418G>A (p.Val140Met)

Gene: RNASEH2A (ribonuclease H2 subunit A; plus strand). Cytogenetic location: 19p13.13.
Variant type: single nucleotide variant.
Coding change: c.418G>A on transcript NM_006397.3 (MANE Select); coding-DNA position 418, G replaced by A.
Protein change: p.Val140Met; replaces valine 140 with methionine.
Molecular consequence: missense variant.
Genome position (GRCh38, 1-based): chr19:12,810,077, G>A. VCF-style: chr19-12810077-G-A. GRCh37 (hg19) VCF-style: chr19-12920891-G-A.
Other names: short protein forms V140M.
Identifiers: ClinVar variation 1934861 (VCV001934861.5), dbSNP rs1439655973, ClinGen allele CA404266519.

ClinVar aggregate classification (germline): Uncertain significance. Review status: criteria provided, multiple submitters, no conflicts (2 of 4 stars). 2 submissions from 2 submitters: Uncertain significance (2). Last evaluated 2025-01-06.

Conditions:
Inborn genetic diseases. Identifiers: MedGen C0950123, MeSH D030342.
Aicardi-Goutieres syndrome 4. Identifiers: Orphanet 51, MedGen C1835912, MONDO:0012472, OMIM 610333.

Submissions (2):

Labcorp Genetics (formerly Invitae), Labcorp
Classification: Uncertain significance for Aicardi-Goutieres syndrome 4. Last evaluated: 2025-01-06. Review status: criteria provided, single submitter. Criteria: Invitae Variant Classification Sherloc (09022015). Collection method: clinical testing. Allele origin: germline.
Comment: This sequence change replaces valine, which is neutral and non-polar, with methionine, which is neutral and non-polar, at codon 140 of the RNASEH2A protein (p.Val140Met). This variant is present in population databases (no rsID available, gnomAD 0.01%). This variant has not been reported in the literature in individuals affected with RNASEH2A-related conditions. ClinVar contains an entry for this variant (Variation ID: 1934861). Invitae Evidence Modeling of protein sequence and biophysical properties (such as structural, functional, and spatial information, amino acid conservation, physicochemical variation, residue mobility, and thermodynamic stability) indicates that this missense variant is expected to disrupt RNASEH2A protein function with a positive predictive value of 80%. In summary, the available evidence is currently insufficient to determine the role of this variant in disease. Therefore, it has been classified as a Variant of Uncertain Significance.

Ambry Genetics
Classification: Uncertain significance for Inborn genetic diseases. Last evaluated: 2024-12-17. Review status: criteria provided, single submitter. Criteria: Ambry Variant Classification Scheme 2023. Collection method: clinical testing. Allele origin: germline.